The following is an entry in ClinVar:

NM_001360016.2(G6PD):c.1278C>G (p.Asn426Lys)

Gene: G6PD (glucose-6-phosphate dehydrogenase; minus strand). Cytogenetic location: Xq28.
Variant type: single nucleotide variant.
Coding change: c.1278C>G on transcript NM_001360016.2 (MANE Select); coding-DNA position 1278, C replaced by G.
Protein change: p.Asn426Lys; replaces asparagine 426 with lysine.
Molecular consequence: missense variant.
Genome position (GRCh38, 1-based): chrX:154,532,576, G>C on the plus strand (C>G on the coding strand, the complement: G6PD is on the minus strand). VCF-style: chrX-154532576-G-C. GRCh37 (hg19) VCF-style: chrX-153760791-G-C.
Other names: c.1368C>G, p.Asn456Lys (NM_000402.4); c.1278C>G, p.Asn426Lys (NM_001042351.3); short protein forms N426K, N456K.
Identifiers: ClinVar variation 994392 (VCV000994392.12), dbSNP rs1557229652, ClinGen allele CA415233821.

ClinVar aggregate classification (germline): Uncertain significance. Review status: criteria provided, multiple submitters, no conflicts (2 of 4 stars). 3 submissions from 3 submitters: Uncertain significance (3). Last evaluated 2025-10-21.

Conditions:
Anemia, nonspherocytic hemolytic, due to G6PD deficiency (CNSHA1). Also called: Class I glucose-6-phosphate dehydrogenase deficiency; Favism, susceptibility to; Hemolytic anemia due to G6PD deficiency; ANEMIA, CONGENITAL, NONSPHEROCYTIC HEMOLYTIC, 1. Identifiers: Orphanet 466026, MedGen C2720289, MONDO:0010480, OMIM 300908.

gnomAD v4.1: 17 of 1,212,000 alleles (0.0014%); highest among the groups gnomAD compares: Non-Finnish European, 0.0019%; no homozygotes.

Submissions (3):

Labcorp Genetics (formerly Invitae), Labcorp
Classification: Uncertain significance for Anemia, nonspherocytic hemolytic, due to G6PD deficiency. Last evaluated: 2025-10-21. Review status: criteria provided, single submitter. Criteria: Invitae Variant Classification Sherloc (09022015). Collection method: clinical testing. Allele origin: germline.
Comment: This sequence change replaces asparagine, which is neutral and polar, with lysine, which is basic and polar, at codon 426 of the G6PD protein (p.Asn426Lys). This variant is present in population databases (no rsID available, gnomAD 0.002%). This variant has not been reported in the literature in individuals affected with G6PD-related conditions. ClinVar contains an entry for this variant (Variation ID: 994392). Invitae Evidence Modeling of protein sequence and biophysical properties (such as structural, functional, and spatial information, amino acid conservation, physicochemical variation, residue mobility, and thermodynamic stability) has been performed for this missense variant. However, the output from this modeling did not meet the statistical confidence thresholds required to predict the impact of this variant on G6PD protein function. In summary, the available evidence is currently insufficient to determine the role of this variant in disease. Therefore, it has been classified as a Variant of Uncertain Significance.

ARUP Laboratories, Molecular Genetics and Genomics, ARUP Laboratories
Classification: Uncertain significance. Last evaluated: 2020-08-26. Review status: criteria provided, single submitter. Criteria: ARUP Molecular Germline Variant Investigation Process. Collection method: clinical testing. Allele origin: germline.
Comment: The G6PD c.1278C>G; p.Asn426Lys variant, to our knowledge, is not reported in the medical literature or gene specific databases. The variant is found in the general population with an overall allele frequency of 0.001% (2/183,307 alleles) in the Genome Aggregation Database. The asparagine at codon 426 is moderately conserved, but computational analyses (SIFT, PolyPhen-2) predict that this variant is tolerated. Due to limited information, the clinical significance of the p.Asn426Lys variant is uncertain at this time.

Blueprint Genetics
Classification: Uncertain significance. Last evaluated: 2019-11-07. Review status: criteria provided, single submitter. Criteria: ACMG Guidelines, 2015. Collection method: clinical testing. Allele origin: germline.